The following is an entry in ClinVar:

NM_000069.3(CACNA1S):c.4967del (p.Leu1656fs)

Gene: CACNA1S (calcium voltage-gated channel subunit alpha1 S; minus strand). Cytogenetic location: 1q32.1.
Variant type: Deletion.
Coding change: c.4967del on transcript NM_000069.3 (MANE Select); coding-DNA position 4967, one base deleted (T; older notation c.4967delT).
Protein change: p.Leu1656fs; shifts the reading frame from leucine 1656.
Molecular consequence: frameshift variant.
Genome position (GRCh38, 1-based): chr1:201,043,362, A deleted on the plus strand (T on the coding strand, the reverse complement: CACNA1S is on the minus strand). VCF-style (leftmost placement, unchanged base first): chr1-201043361-CA-C. GRCh37 (hg19) VCF-style: chr1-201012489-CA-C.
Other names: short protein forms L1656fs.
Identifiers: ClinVar variation 2061561 (VCV002061561.10), dbSNP rs1660352437, ClinGen allele CA1219570382.
Genomic context (GRCh38, chr1:201,043,361, plus strand): 5'-GCTATGGTTGCTGTTGCCATAGGCGACATTGGCGTTGGCATTGTTGGTATTGGCACGAGC[CA>C]GGGGGTTGGTGCGTGGATCTTGTGGGAAGTCCTCCAAGAAGACAGGTGACTCCATCTCTT-3'

ClinVar aggregate classification (germline): Pathogenic. Review status: criteria provided, multiple submitters, no conflicts (2 of 4 stars). 6 submissions from 5 submitters: Pathogenic (5). 1 of the submissions does not count toward it. Last evaluated 2024-10-22.

Conditions:
Malignant hyperthermia, susceptibility to, 5 (MHS5). Also called: CACNA1S-Related Malignant Hyperthermia Susceptibility. Identifiers: Orphanet 423, MedGen C1866077, MONDO:0011163, OMIM 601887.
Thyrotoxic periodic paralysis, susceptibility to, 1 (TTPP1). Identifiers: Orphanet 79102, MedGen C2749982, MONDO:0008570, OMIM 188580.
Hypokalemic periodic paralysis, type 1. Also called: HypoPP; Hypokalemic Periodic Paralysis Type 1 (AD). Identifiers: Orphanet 681, MedGen C3714580, MONDO:0042979, OMIM 170400.
Congenital myopathy 18. Also called: DIHYDROPYRIDINE RECEPTOR CONGENITAL MYOPATHY; DHPR CONGENITAL MYOPATHY; Myopathy, congenital, due to dihydropyridine receptor defect. Identifiers: MedGen C5830283, MONDO:0859514, OMIM 620246.
Centronuclear myopathy (CNM). Also called: Myotubular myopathy; Centronuclear myopathy, congenital. Identifiers: Orphanet 595, MedGen C0175709, MONDO:0018947. Inheritance: All.

Allele frequency attached by ClinVar (database versions not stated): TOPMed 0.00001.

Submissions (6):

Labcorp Genetics (formerly Invitae), Labcorp
Classification: Pathogenic for Hypokalemic periodic paralysis, type 1; Malignant hyperthermia, susceptibility to, 5. Last evaluated: 2024-10-22. Review status: criteria provided, single submitter. Criteria: Invitae Variant Classification Sherloc (09022015). Collection method: clinical testing. Allele origin: germline.
Comment: This sequence change creates a premature translational stop signal (p.Leu1656Argfs*67) in the CACNA1S gene. It is expected to result in an absent or disrupted protein product. Loss-of-function variants in CACNA1S are known to be pathogenic (PMID: 26247046, 28012042). This variant is not present in population databases (gnomAD no frequency). This premature translational stop signal has been observed in individual(s) with clinical features of autosomal recessive CACNA1S-related conditions (PMID: 28012042). In at least one individual the data is consistent with being in trans (on the opposite chromosome) from a pathogenic variant. ClinVar contains an entry for this variant (Variation ID: 2061561). For these reasons, this variant has been classified as Pathogenic.

Dasa
Classification: Pathogenic. Last evaluated: 2024-09-20. Review status: criteria provided, single submitter. Criteria: DASA Assertion Criteria. Collection method: clinical testing. Allele origin: germline.
Comment: NM_000069.3(CACNA1S):c.4967del (p.Leu1656ArgfsTer67) introduces a premature termination codon predicted to result in loss of normal protein function. Loss-of-function is an established mechanism of disease for this gene. Based on the available data, this variant is classified as pathogenic.

Fulgent Genetics
Classification: Pathogenic for Hypokalemic periodic paralysis, type 1; Thyrotoxic periodic paralysis, susceptibility to, 1; Malignant hyperthermia, susceptibility to, 5; Congenital myopathy 18. Last evaluated: 2024-05-23. Review status: criteria provided, single submitter. Criteria: ACMG Guidelines, 2015. Collection method: clinical testing. Allele origin: germline.

Muscle and Diseases Team, Institut de Génétique et Biologie Moléculaire et Cellulaire
Classification: Pathogenic for Centronuclear myopathy. Last evaluated: 2024-03-01. Review status: criteria provided, single submitter. Criteria: ACMG Guidelines, 2015. Collection method: research. Allele origin: paternal. Affected: yes. Observed: 2 variant alleles.
Comment: PVS1+PS3+PM2+PM3+PP3

Muscle and Diseases Team, Institut de Génétique et Biologie Moléculaire et Cellulaire
Classification: Pathogenic for Congenital myopathy 18. Last evaluated: 2024-03-01. Review status: criteria provided, single submitter. Criteria: ACMG Guidelines, 2015. Collection method: research. Allele origin: maternal. Affected: yes. Observed: 2 variant alleles.
Comment: the same text as in the submission from Muscle and Diseases Team, Institut de Génétique et Biologie Moléculaire et Cellulaire above.

OMIM
Classification: Pathogenic for CONGENITAL MYOPATHY 18, AUTOSOMAL RECESSIVE. Last evaluated: 2024-07-16. Review status: no assertion criteria provided. Collection method: literature only. Allele origin: germline. Not counted in ClinVar's aggregate classification.

Literature cited by the submitters: PubMed 26247046 (cited by Labcorp Genetics (formerly Invitae), Labcorp); PubMed 28012042 (cited by 3 submitters); DOI 10.1186/s13073-024-01353-0 (cited by Muscle and Diseases Team, Institut de Génétique et Biologie Moléculaire et Cellulaire).